The following is an entry in ClinVar:

NM_001378328.1(CELSR1):c.6219G>A (p.Pro2073=)

Gene: CELSR1 (cadherin EGF LAG seven-pass G-type receptor 1; minus strand). Cytogenetic location: 22q13.31.
Variant type: single nucleotide variant.
Coding change: c.6219G>A on transcript NM_001378328.1 (MANE Select); coding-DNA position 6219, G replaced by A.
Protein change: p.Pro2073=; no amino-acid change (proline 2073 retained).
Molecular consequence: synonymous variant.
Genome position (GRCh38, 1-based): chr22:46,391,217, C>T on the plus strand (G>A on the coding strand, the complement: CELSR1 is on the minus strand). VCF-style: chr22-46391217-C-T. GRCh37 (hg19) VCF-style: chr22-46787114-C-T.
Other names: c.6219G>A, p.Pro2073= (NM_014246.4).
Identifiers: ClinVar variation 3036162 (VCV003036162.2), dbSNP rs747807200, ClinGen allele CA10293907.

ClinVar aggregate classification (germline): Likely benign (0 of 4 stars; one submission).

Conditions:
CELSR1-related disorder. Also called: CELSR1-related condition.

Allele frequency attached by ClinVar (database versions not stated): gnomAD exomes 0.00002; ExAC 0.00006; gnomAD 0.00009; TOPMed 0.00011.
gnomAD v4.1: 40 of 1,613,426 alleles (0.0025%); highest among the groups gnomAD compares: African/African-American, 0.032%; no homozygotes.

Submission:

PreventionGenetics, part of Exact Sciences
Classification: Likely benign for CELSR1-related condition. Last evaluated: 2022-12-27. Review status: no assertion criteria provided. Collection method: clinical testing. Allele origin: germline.
Comment: This variant is classified as likely benign based on ACMG/AMP sequence variant interpretation guidelines (Richards et al. 2015 PMID: 25741868, with internal and published modifications).